The following is an entry in ClinVar:

NM_000051.4(ATM):c.1276del (p.Ser426fs)

Gene: ATM (ATM serine/threonine kinase; plus strand). Cytogenetic location: 11q22.3.
Variant type: Deletion.
Coding change: c.1276del on transcript NM_000051.4 (MANE Select); coding-DNA position 1276, one base deleted (A; older notation c.1276delA).
Protein change: p.Ser426fs; shifts the reading frame from serine 426.
Molecular consequence: frameshift variant.
Genome position (GRCh38, 1-based): chr11:108,250,741, A deleted; the last of 2 consecutive A bases (chr11:108,250,740-108,250,741); deleting either gives the same sequence. VCF-style (leftmost placement, unchanged base first): chr11-108250739-CA-C. GRCh37 (hg19) VCF-style: chr11-108121466-CA-C.
Other names: c.1276del, p.Ser426fs (NM_001351834.2); short protein forms S426fs.
Identifiers: ClinVar variation 1068697 (VCV001068697.7), dbSNP rs2135316980, ClinGen allele CA2499220564.

ClinVar aggregate classification (germline): Pathogenic (1 of 4 stars; one submission).

Conditions:
Ataxia-telangiectasia syndrome (AT). Also called: LOUIS-BAR SYNDROME; Ataxia-telangiectasia, complementation group D; AT, COMPLEMENTATION GROUP C; Cerebello-oculocutaneous telangiectasia; Immunodeficiency with ataxia telangiectasia; ATAXIA-TELANGIECTASIA, COMPLEMENTATION GROUP A. Identifiers: Orphanet 100, MedGen C0004135, MONDO:0008840, OMIM 208900.

Submission:

Labcorp Genetics (formerly Invitae), Labcorp
Classification: Pathogenic for Ataxia-telangiectasia syndrome. Last evaluated: 2020-06-06. Review status: criteria provided, single submitter. Criteria: Invitae Variant Classification Sherloc (09022015). Collection method: clinical testing. Allele origin: germline.
Comment: This variant has not been reported in the literature in individuals with ATM-related conditions. This variant is not present in population databases (ExAC no frequency). This sequence change creates a premature translational stop signal (p.Ser426Valfs*11) in the ATM gene. It is expected to result in an absent or disrupted protein product. Loss-of-function variants in ATM are known to be pathogenic (PMID: 23807571, 25614872). For these reasons, this variant has been classified as Pathogenic.

Literature cited by the submitters: PubMed 23807571; PubMed 25614872.